The following is an entry in ClinVar:

NM_014159.7(SETD2):c.4628G>T (p.Arg1543Leu)

Gene: SETD2 (SET domain containing 2, histone lysine methyltransferase; minus strand). Cytogenetic location: 3p21.31.
Variant type: single nucleotide variant.
Coding change: c.4628G>T on transcript NM_014159.7 (MANE Select); coding-DNA position 4628, G replaced by T.
Protein change: p.Arg1543Leu; replaces arginine 1543 with leucine.
Molecular consequence: missense variant. On other transcripts: non-coding transcript variant (1).
Genome position (GRCh38, 1-based): chr3:47,113,963, C>A on the plus strand (G>T on the coding strand, the complement: SETD2 is on the minus strand). VCF-style: chr3-47113963-C-A. GRCh37 (hg19) VCF-style: chr3-47155453-C-A.
Other names: c.4496G>T, p.Arg1499Leu (NM_001349370.3); short protein forms R1499L, R1543L.
Identifiers: ClinVar variation 3906571 (VCV003906571.1).

ClinVar aggregate classification (germline): Uncertain significance (1 of 4 stars; one submission).

Submission:

GeneDx
Classification: Uncertain significance. Last evaluated: 2024-12-16. Review status: criteria provided, single submitter. Criteria: GeneDx Variant Classification Process June 2021. Collection method: clinical testing. Allele origin: germline. Affected: yes.
Comment: Not observed at significant frequency in large population cohorts (gnomAD); In silico analysis supports that this missense variant has a deleterious effect on protein structure/function; Has not been previously published as pathogenic or benign to our knowledge